The following is an entry in ClinVar:

NM_004415.4(DSP):c.451G>T (p.Ala151Ser)

Gene: DSP (desmoplakin; plus strand). Cytogenetic location: 6p24.3.
Variant type: single nucleotide variant.
Coding change: c.451G>T on transcript NM_004415.4 (MANE Select); coding-DNA position 451, G replaced by T.
Protein change: p.Ala151Ser; replaces alanine 151 with serine.
Molecular consequence: missense variant.
Genome position (GRCh38, 1-based): chr6:7,559,254, G>T. VCF-style: chr6-7559254-G-T. GRCh37 (hg19) VCF-style: chr6-7559487-G-T.
Other names: c.451G>T, p.Ala151Ser (NM_001008844.3, NM_001319034.2); short protein forms A151S.
Identifiers: ClinVar variation 922470 (VCV000922470.5), dbSNP rs1758601354, ClinGen allele CA362672148.
Genomic context (GRCh38, chr6:7,559,254, plus strand): 5'-CTGCAGTGGTTTAAAGGTTTTTTTCTTTGCAGGCTTCTTCAGCTCCAAGAGCAAATGCGA[G>T]CCCTTTATAAAGCCATCAGTGTCCCTCGAGTCCGCAGGGCCAGCTCCAAGGGTGGTGGAG-3'
Protein context (NP_004406.2, residues 141-161): RLLQLQEQMR[Ala151Ser]LYKAISVPRV

ClinVar aggregate classification (germline): Uncertain significance. Review status: criteria provided, multiple submitters, no conflicts (2 of 4 stars). 2 submissions from 2 submitters: Uncertain significance (2). Last evaluated 2023-12-04.

Conditions:
Cardiomyopathy (CMYO). Also called: Cardiomyopathies. Identifiers: Orphanet 167848, MedGen C0878544, MONDO:0004994, HP:0001638. Inheritance: Various modes of inheritance.

Allele frequency attached by ClinVar (database versions not stated): TOPMed below 0.00001.
gnomAD v4.1: 1 of 1,614,004 alleles (0.000062%); highest among the groups gnomAD compares: Non-Finnish European, 0.000085%; no homozygotes.

Submissions (2):

Color Diagnostics, LLC DBA Color Health
Classification: Uncertain significance for Cardiomyopathy. Last evaluated: 2023-12-04. Review status: criteria provided, single submitter. Criteria: ACMG Guidelines, 2015. Collection method: clinical testing. Allele origin: germline.
Comment: This missense variant replaces alanine with serine at codon 151 of the DSP protein. Computational prediction suggests that this variant may not impact protein structure and function (internally defined REVEL score threshold <= 0.5, PMID: 27666373). To our knowledge, functional studies have not been reported for this variant. This variant has not been reported in individuals affected with DSP-related disorders in the literature. This variant has not been identified in the general population by the Genome Aggregation Database (gnomAD). The available evidence is insufficient to determine the role of this variant in disease conclusively. Therefore, this variant is classified as a Variant of Uncertain Significance.

Blueprint Genetics
Classification: Uncertain significance. Last evaluated: 2021-06-15. Review status: criteria provided, single submitter. Criteria: ACMG Guidelines, 2015. Collection method: clinical testing. Allele origin: germline.